The following is an entry in ClinVar:

ClinVar aggregate classification (germline): Benign/Likely benign. Review status: criteria provided, multiple submitters, no conflicts (2 of 4 stars). 3 submissions from 3 submitters: Benign (1); Likely benign (2). Last evaluated 2024-08-29.

Conditions:
Hereditary cancer-predisposing syndrome. Also called: Hereditary Cancer Syndrome; Neoplastic Syndromes, Hereditary; Tumor predisposition; Hereditary neoplastic syndrome. Identifiers: Orphanet 140162, MedGen C0027672, MeSH D009386, MONDO:0015356.
Familial cancer of breast. Also called: BREAST CANCER, FAMILIAL; Hereditary breast cancer; hereditary breast carcinoma. Identifiers: Orphanet 227535, MedGen C0346153, MONDO:0016419, OMIM 114480. Disease mechanism: loss of function.
Fanconi anemia complementation group J. Also called: BRIP1-Related Fanconi Anemia. Identifiers: Orphanet 84, MedGen C1836860, MONDO:0012187, OMIM 609054.

Submissions (3):

Myriad Genetics, Inc.
Classification: Benign for Familial cancer of breast. Last evaluated: 2024-08-29. Review status: criteria provided, single submitter. Criteria: Myriad Autosomal Dominant, Autosomal Recessive and X-Linked Classification Criteria (2023). Collection method: clinical testing. Allele origin: unknown.
Comment: This variant is considered benign. This variant is a silent/synonymous amino acid change and it is not expected to impact splicing.

Labcorp Genetics (formerly Invitae), Labcorp
Classification: Likely benign for Familial cancer of breast; Fanconi anemia complementation group J. Last evaluated: 2023-01-22. Review status: criteria provided, single submitter. Criteria: Invitae Variant Classification Sherloc (09022015). Collection method: clinical testing. Allele origin: germline.

Ambry Genetics
Classification: Likely benign for Hereditary cancer-predisposing syndrome. Last evaluated: 2014-08-28. Review status: criteria provided, single submitter. Criteria: Ambry Variant Classification Scheme 2023. Collection method: clinical testing. Allele origin: germline.

NM_032043.3(BRIP1):c.1734A>G (p.Lys578=)

Gene: BRIP1 (BRCA1 interacting DNA helicase 1; minus strand). Cytogenetic location: 17q23.2.
Variant type: single nucleotide variant.
Coding change: c.1734A>G on transcript NM_032043.3 (MANE Select); coding-DNA position 1734, A replaced by G.
Protein change: p.Lys578=; no amino-acid change (lysine 578 retained).
Molecular consequence: synonymous variant.
Genome position (GRCh38, 1-based): chr17:61,780,900, T>C on the plus strand (A>G on the coding strand, the complement: BRIP1 is on the minus strand). VCF-style: chr17-61780900-T-C. GRCh37 (hg19) VCF-style: chr17-59858261-T-C.
Identifiers: ClinVar variation 185960 (VCV000185960.15), dbSNP rs786202592, ClinGen allele CA193501.